The following is an entry in ClinVar:

NM_019885.4(CYP26B1):c.1040C>T (p.Thr347Met)

Gene: CYP26B1 (cytochrome P450 family 26 subfamily B member 1; minus strand). Cytogenetic location: 2p13.2.
Variant type: single nucleotide variant.
Coding change: c.1040C>T on transcript NM_019885.4 (MANE Select); coding-DNA position 1040, C replaced by T.
Protein change: p.Thr347Met; replaces threonine 347 with methionine.
Molecular consequence: missense variant.
Genome position (GRCh38, 1-based): chr2:72,133,129, G>A on the plus strand (C>T on the coding strand, the complement: CYP26B1 is on the minus strand). VCF-style: chr2-72133129-G-A. GRCh37 (hg19) VCF-style: chr2-72360258-G-A.
Other names: c.815C>T, p.Thr272Met (NM_001277742.2); c.1040C>T (NM_019885.2); short protein forms T272M, T347M.
Identifiers: ClinVar variation 1697066 (VCV001697066.4), dbSNP rs200556766, ClinGen allele CA1707878.

ClinVar aggregate classification (germline): Uncertain significance. Review status: criteria provided, multiple submitters, no conflicts (2 of 4 stars). 2 submissions from 2 submitters: Uncertain significance (2). Last evaluated 2025-12-16.

Conditions:
Inborn genetic diseases. Identifiers: MedGen C0950123, MeSH D030342.

Allele frequency attached by ClinVar (database versions not stated): ExAC 0.00009; gnomAD 0.00009; gnomAD exomes 0.00010; TOPMed 0.00011; 1000 Genomes Project 30x 0.00016; 1000 Genomes Project 0.00020.
gnomAD v4.1: 78 of 1,613,020 alleles (0.0048%); highest among the groups gnomAD compares: Admixed American, 0.017%; no homozygotes.

Submissions (2):

Ambry Genetics
Classification: Uncertain significance for Inborn genetic diseases. Last evaluated: 2025-12-16. Review status: criteria provided, single submitter. Criteria: Ambry Variant Classification Scheme 2023. Collection method: clinical testing. Allele origin: germline.

GeneDx
Classification: Uncertain significance. Last evaluated: 2022-01-18. Review status: criteria provided, single submitter. Criteria: GeneDx Variant Classification Process June 2021. Collection method: clinical testing. Allele origin: germline. Affected: yes.
Comment: In silico analysis supports that this missense variant does not alter protein structure/function; Has not been previously published as pathogenic or benign to our knowledge